The following is an entry in ClinVar:

NM_001197293.3(DPYSL2):c.1610A>C (p.Asn537Thr)

Gene: DPYSL2 (dihydropyrimidinase like 2; plus strand). Cytogenetic location: 8p21.2.
Variant type: single nucleotide variant.
Coding change: c.1610A>C on transcript NM_001197293.3 (MANE Select); coding-DNA position 1610, A replaced by C.
Protein change: p.Asn537Thr; replaces asparagine 537 with threonine.
Molecular consequence: missense variant.
Genome position (GRCh38, 1-based): chr8:26,652,270, A>C. VCF-style: chr8-26652270-A-C. GRCh37 (hg19) VCF-style: chr8-26509786-A-C.
Other names: c.1187A>C, p.Asn396Thr (NM_001244604.2); c.1295A>C, p.Asn432Thr (NM_001386.6); short protein forms N396T, N432T, N537T.
Identifiers: ClinVar variation 4082001 (VCV004082001.2).

ClinVar aggregate classification (germline): VUS-mid (1 of 4 stars; one submission).

gnomAD v4.1: 3 of 1,613,660 alleles (0.00019%); highest among the groups gnomAD compares: Non-Finnish European, 0.00025%; no homozygotes.

Submission:

Clinical Genetics Laboratory, University Hospital Schleswig-Holstein
Classification: VUS-mid. Last evaluated: 2025-01-21. Review status: criteria provided, single submitter. Criteria: ACMG Guidelines, 2015. Collection method: clinical testing. Allele origin: maternal.
Comment: ACMG criteria applied: PM2, PP3, PP2, BS4_Supporting

Literature cited by the submitters: PubMed 35861646; PubMed 37144098.